The following is an entry in ClinVar:

ClinVar aggregate classification (germline): Benign/Likely benign. Review status: criteria provided, multiple submitters, no conflicts (2 of 4 stars). 5 submissions from 5 submitters: Benign (1); Likely benign (4). Last evaluated 2026-03-17.

Conditions:
APC-related disorder. Also called: APC-related condition.
Hereditary cancer-predisposing syndrome. Also called: Neoplastic Syndromes, Hereditary; Tumor predisposition; Hereditary Cancer Syndrome; Hereditary neoplastic syndrome. Identifiers: Orphanet 140162, MedGen C0027672, MeSH D009386, MONDO:0015356.
Familial adenomatous polyposis 1 (FAP1). Also called: FAMILIAL ADENOMATOUS POLYPOSIS 1, ATTENUATED; POLYPOSIS, ADENOMATOUS INTESTINAL. Identifiers: MedGen C2713442, MONDO:0021056, OMIM 175100. Disease mechanism: loss of function.

Allele frequency attached by ClinVar (database versions not stated): gnomAD exomes below 0.00001; gnomAD 0.00001.
gnomAD v4.1: 2 of 1,613,656 alleles (0.00012%); highest among the groups gnomAD compares: African/African-American, 0.0013%; no homozygotes.

Submissions (5):

PreventionGenetics, part of Exact Sciences
Classification: Likely benign for APC-related condition. Last evaluated: 2026-03-17. Review status: criteria provided, single submitter. Criteria: ACMG Guidelines, 2015. Collection method: clinical testing. Allele origin: germline.
Comment: This variant is classified as likely benign based on ACMG/AMP sequence variant interpretation guidelines (Richards et al. 2015 PMID: 25741868, with internal and published modifications).

Labcorp Genetics (formerly Invitae), Labcorp
Classification: Likely benign for Familial adenomatous polyposis 1. Last evaluated: 2025-08-08. Review status: criteria provided, single submitter. Criteria: Invitae Variant Classification Sherloc (09022015). Collection method: clinical testing. Allele origin: germline.

Myriad Genetics, Inc.
Classification: Benign for Familial adenomatous polyposis 1. Last evaluated: 2024-03-27. Review status: criteria provided, single submitter. Criteria: Myriad Autosomal Dominant, Autosomal Recessive and X-Linked Classification Criteria (2023). Collection method: clinical testing. Allele origin: unknown.
Comment: This variant is considered benign. This variant is a silent/synonymous amino acid change and it is not expected to impact splicing.

Color Diagnostics, LLC DBA Color Health
Classification: Likely benign for Hereditary cancer-predisposing syndrome. Last evaluated: 2019-12-16. Review status: criteria provided, single submitter. Criteria: ACMG Guidelines, 2015. Collection method: clinical testing. Allele origin: germline.

Ambry Genetics
Classification: Likely benign for Hereditary cancer-predisposing syndrome. Last evaluated: 2015-03-26. Review status: criteria provided, single submitter. Criteria: Ambry Variant Classification Scheme 2023. Collection method: clinical testing. Allele origin: germline.

NM_000038.6(APC):c.4599T>C (p.Asn1533=)

Gene: APC (APC regulator of Wnt signaling pathway; plus strand). Cytogenetic location: 5q22.2.
Variant type: single nucleotide variant.
Coding change: c.4599T>C on transcript NM_000038.6 (MANE Select); coding-DNA position 4599, T replaced by C.
Protein change: p.Asn1533=; no amino-acid change (asparagine 1533 retained).
Molecular consequence: synonymous variant.
Genome position (GRCh38, 1-based): chr5:112,840,193, T>C. VCF-style: chr5-112840193-T-C. GRCh37 (hg19) VCF-style: chr5-112175890-T-C.
Other names: c.4599T>C, p.Asn1533= (NM_001127510.3, NM_001354895.2); c.4545T>C, p.Asn1515= (NM_001127511.3); c.4653T>C, p.Asn1551= (NM_001354896.2); c.4629T>C, p.Asn1543= (NM_001354897.2); c.4524T>C, p.Asn1508= (NM_001354898.2); c.4515T>C, p.Asn1505= (NM_001354899.2); c.4476T>C, p.Asn1492= (NM_001354900.2); c.4422T>C, p.Asn1474= (NM_001354901.2); and 5 more.
Identifiers: ClinVar variation 231007 (VCV000231007.20), dbSNP rs876658897, ClinGen allele CA10578377.
Genomic context (GRCh38, chr5:112,840,193, plus strand): 5'-GCCATTTATACAGAAAGATGTGGAATTAAGAATAATGCCTCCAGTTCAGGAAAATGACAA[T>C]GGGAATGAAACAGAATCAGAGCAGCCTAAAGAATCAAATGAAAACCAAGAGAAAGAGGCA-3'
Protein context (NP_000029.2, residues 1523-1543): RIMPPVQEND[Asn1533=]GNETESEQPK